The following is an entry in ClinVar:

ClinVar aggregate classification (germline): Likely pathogenic (1 of 4 stars; one submission).

Conditions:
Rubinstein-Taybi syndrome due to EP300 haploinsufficiency. Also called: RUBINSTEIN-TAYBI SYNDROME 2; EP300-Related Rubinstein-Taybi Syndrome. Identifiers: Orphanet 353284, Orphanet 783, MedGen C3150941, MONDO:0013364, OMIM 613684.

Submission:

Servicio de Genética Del Instituto Nacional de Salud Del Niño, Ministerio de Salud
Classification: Likely pathogenic for Rubinstein-Taybi syndrome due to EP300 haploinsufficiency. Last evaluated: 2024-11-18. Review status: criteria provided, single submitter. Criteria: ACMG Guidelines, 2015. Collection method: clinical testing. Allele origin: germline. Inheritance: Autosomal dominant inheritance. Affected: yes.
Comment: The variant NM_001429.4:c.2959delC (p.Pro987Glnfs*33) results in a deletion that causes a frameshift and a premature stop codon 33 amino acids downstream. This is predicted to lead to nonsense-mediated decay (NMD) or a truncated protein. According to ACMG/AMP guidelines, this variant meets the criteria for PVS1 and PM2, supporting its classification as likely pathogenic

NM_001429.4(EP300):c.2960del (p.Pro987fs)

Genes: EP300 (EP300 lysine acetyltransferase; plus strand), LOC126863158 (BRD4-independent group 4 enhancer GRCh37_chr22:41547383-41548582; plus strand). Cytogenetic location: 22q13.2.
Variant type: Deletion.
Coding change: c.2960del on transcript NM_001429.4 (MANE Select); coding-DNA position 2960, one base deleted (C; older notation c.2960delC).
Protein change: p.Pro987fs; shifts the reading frame from proline 987.
Molecular consequence: frameshift variant.
Genome position (GRCh38, 1-based): chr22:41,151,975, C deleted; the last of 2 consecutive C bases (chr22:41,151,974-41,151,975); deleting either gives the same sequence. VCF-style (leftmost placement, unchanged base first): chr22-41151973-AC-A. GRCh37 (hg19) VCF-style: chr22-41547977-AC-A.
Other names: c.2959delC (NM_001429.4); c.2882del, p.Pro961fs (NM_001362843.2); short protein forms P961fs, P987fs.
Identifiers: ClinVar variation 3381257 (VCV003381257.2).